The following is an entry in ClinVar:

ClinVar aggregate classification (germline): Uncertain significance (1 of 4 stars; one submission).

Allele frequency attached by ClinVar (database versions not stated): gnomAD 0.00001; TOPMed 0.00001.
gnomAD v4.1: 5 of 1,612,590 alleles (0.00031%); highest among the groups gnomAD compares: Non-Finnish European, 0.00042%; no homozygotes.

Submission:

Labcorp Genetics (formerly Invitae), Labcorp
Classification: Uncertain significance. Last evaluated: 2022-06-05. Review status: criteria provided, single submitter. Criteria: Invitae Variant Classification Sherloc (09022015). Collection method: clinical testing. Allele origin: germline.
Comment: This sequence change replaces arginine, which is basic and polar, with leucine, which is neutral and non-polar, at codon 439 of the DVL1 protein (p.Arg439Leu). This variant is not present in population databases (gnomAD no frequency). This variant has not been reported in the literature in individuals affected with DVL1-related conditions. ClinVar contains an entry for this variant (Variation ID: 1490893). Algorithms developed to predict the effect of missense changes on protein structure and function are either unavailable or do not agree on the potential impact of this missense change (SIFT: "Deleterious"; PolyPhen-2: "Probably Damaging"; Align-GVGD: "Class C0"). In summary, the available evidence is currently insufficient to determine the role of this variant in disease. Therefore, it has been classified as a Variant of Uncertain Significance.

NM_001330311.2(DVL1):c.1391G>T (p.Arg464Leu)

Gene: DVL1 (dishevelled segment polarity protein 1; minus strand). Cytogenetic location: 1p36.33.
Variant type: single nucleotide variant.
Coding change: c.1391G>T on transcript NM_001330311.2 (MANE Select); coding-DNA position 1391, G replaced by T.
Protein change: p.Arg464Leu; replaces arginine 464 with leucine.
Molecular consequence: missense variant.
Genome position (GRCh38, 1-based): chr1:1,338,385, C>A on the plus strand (G>T on the coding strand, the complement: DVL1 is on the minus strand). VCF-style: chr1-1338385-C-A. GRCh37 (hg19) VCF-style: chr1-1273765-C-A.
Other names: c.1316G>T, p.Arg439Leu (NM_004421.3); short protein forms R439L, R464L.
Identifiers: ClinVar variation 1490893 (VCV001490893.6), dbSNP rs1232376736, ClinGen allele CA337862579.
Genomic context (GRCh38, chr1:1,338,385, plus strand): 5'-ACCGTGTGCCGCAGGAAGCCGTGCTTCAGCAAGCTGCTGGCGTACTTCCGGGCCTCCCGC[C>A]GCTCCTTGAAGCCCTCCACGTGTGTGTACAGCCAGTCCACCACGTCCGCCCCTGGCCGGC-3'
Protein context (NP_001317240.1, residues 454-474): LYTHVEGFKE[Arg464Leu]REARKYASSL